The following is an entry in ClinVar:

NM_001844.5(COL2A1):c.2629C>T (p.Pro877Ser)

Gene: COL2A1 (collagen type II alpha 1 chain; minus strand). Cytogenetic location: 12q13.11.
Variant type: single nucleotide variant.
Coding change: c.2629C>T on transcript NM_001844.5 (MANE Select); coding-DNA position 2629, C replaced by T.
Protein change: p.Pro877Ser; replaces proline 877 with serine.
Molecular consequence: missense variant.
Genome position (GRCh38, 1-based): chr12:47,980,059, G>A on the plus strand (C>T on the coding strand, the complement: COL2A1 is on the minus strand). VCF-style: chr12-47980059-G-A. GRCh37 (hg19) VCF-style: chr12-48373842-G-A.
Other names: c.2422C>T, p.Pro808Ser (NM_033150.3); short protein forms P808S, P877S.
Identifiers: ClinVar variation 1053019 (VCV001053019.9), dbSNP rs2136535139, ClinGen allele CA384544317.

ClinVar aggregate classification (germline): Uncertain significance (1 of 4 stars; one submission).

Allele frequency attached by ClinVar (database versions not stated): gnomAD exomes below 0.00001.
gnomAD v4.1: 3 of 1,554,020 alleles (0.00019%); highest among the groups gnomAD compares: South Asian, 0.0012%; no homozygotes.

Submission:

Labcorp Genetics (formerly Invitae), Labcorp
Classification: Uncertain significance. Last evaluated: 2023-10-05. Review status: criteria provided, single submitter. Criteria: Invitae Variant Classification Sherloc (09022015). Collection method: clinical testing. Allele origin: germline.
Comment: This sequence change replaces proline, which is neutral and non-polar, with serine, which is neutral and polar, at codon 877 of the COL2A1 protein (p.Pro877Ser). This variant is not present in population databases (gnomAD no frequency). This variant has not been reported in the literature in individuals affected with COL2A1-related conditions. ClinVar contains an entry for this variant (Variation ID: 1053019). Advanced modeling of protein sequence and biophysical properties (such as structural, functional, and spatial information, amino acid conservation, physicochemical variation, residue mobility, and thermodynamic stability) has been performed at Invitae for this missense variant, however the output from this modeling did not meet the statistical confidence thresholds required to predict the impact of this variant on COL2A1 protein function. In summary, the available evidence is currently insufficient to determine the role of this variant in disease. Therefore, it has been classified as a Variant of Uncertain Significance.